The following is an entry in ClinVar:

NM_004360.5(CDH1):c.1321-1G>T

Gene: CDH1 (cadherin 1; plus strand). Cytogenetic location: 16q22.1.
Variant type: single nucleotide variant.
Coding change: c.1321-1G>T on transcript NM_004360.5 (MANE Select); the canonical splice acceptor site of the intron before coding-DNA position 1321, G replaced by T.
Molecular consequence: splice acceptor variant.
Genome position (GRCh38, 1-based): chr16:68,815,514, G>T. VCF-style: chr16-68815514-G-T. GRCh37 (hg19) VCF-style: chr16-68849417-G-T.
Other names: c.-228-1G>T (NM_001317185.2); c.-499-1G>T (NM_001317186.2); c.1138-1G>T (NM_001317184.2).
Identifiers: ClinVar variation 2584175 (VCV002584175.2), dbSNP rs2152134665, ClinGen allele CA396462641.

ClinVar aggregate classification (germline): Likely pathogenic (1 of 4 stars; one submission).

Conditions:
Hereditary diffuse gastric adenocarcinoma (HDGC). Also called: DIFFUSE GASTRIC AND LOBULAR BREAST CANCER SYNDROME. Identifiers: Orphanet 26106, MedGen C1708349, MONDO:0007648, OMIM 137215.

Submission:

Myriad Genetics, Inc.
Classification: Likely pathogenic for Hereditary diffuse gastric adenocarcinoma. Last evaluated: 2023-06-13. Review status: criteria provided, single submitter. Criteria: Myriad Autosomal Dominant, Autosomal Recessive and X-Linked Classification Criteria (2023). Collection method: clinical testing. Allele origin: unknown.
Comment: This variant is considered likely pathogenic. This variant occurs within a consensus splice junction and is predicted to result in abnormal mRNA splicing of either an out-of-frame exon or an in-frame exon necessary for protein stability and/or normal function.